The following is an entry in ClinVar:

ClinVar aggregate classification (germline): Uncertain significance. Review status: criteria provided, multiple submitters, no conflicts (2 of 4 stars). 2 submissions from 2 submitters: Uncertain significance (2). Last evaluated 2025-07-17.

Conditions:
Hereditary cancer-predisposing syndrome. Also called: Neoplastic Syndromes, Hereditary; Tumor predisposition; Hereditary neoplastic syndrome; Hereditary Cancer Syndrome. Identifiers: Orphanet 140162, MedGen C0027672, MeSH D009386, MONDO:0015356.
Renal cell carcinoma. Identifiers: Orphanet 217071, MedGen C0007134, MeSH D002292, MONDO:0005086, HP:0005584.

Allele frequency attached by ClinVar (database versions not stated): gnomAD exomes below 0.00001.
gnomAD v4.1: 5 of 1,614,172 alleles (0.00031%); highest among the groups gnomAD compares: Non-Finnish European, 0.00042%; no homozygotes.

Submissions (2):

Ambry Genetics
Classification: Uncertain significance for Hereditary cancer-predisposing syndrome. Last evaluated: 2025-07-17. Review status: criteria provided, single submitter. Criteria: Ambry Variant Classification Scheme 2023. Collection method: clinical testing. Allele origin: germline.
Comment: The p.L1321I variant (also known as c.3961C>A), located in coding exon 19 of the MET gene, results from a C to A substitution at nucleotide position 3961. The leucine at codon 1321 is replaced by isoleucine, an amino acid with highly similar properties. This amino acid position is highly conserved in available vertebrate species. In addition, the in silico prediction for this alteration is inconclusive. Since supporting evidence is limited at this time, the clinical significance of this alteration remains unclear.

Labcorp Genetics (formerly Invitae), Labcorp
Classification: Uncertain significance for Renal cell carcinoma. Last evaluated: 2025-05-27. Review status: criteria provided, single submitter. Criteria: Invitae Variant Classification Sherloc (09022015). Collection method: clinical testing. Allele origin: germline.
Comment: This sequence change replaces leucine, which is neutral and non-polar, with isoleucine, which is neutral and non-polar, at codon 1321 of the MET protein (p.Leu1321Ile). This variant is not present in population databases (gnomAD no frequency). This variant has not been reported in the literature in individuals affected with MET-related conditions. ClinVar contains an entry for this variant (Variation ID: 824432). Invitae Evidence Modeling of protein sequence and biophysical properties (such as structural, functional, and spatial information, amino acid conservation, physicochemical variation, residue mobility, and thermodynamic stability) indicates that this missense variant is expected to disrupt MET protein function with a positive predictive value of 80%. In summary, the available evidence is currently insufficient to determine the role of this variant in disease. Therefore, it has been classified as a Variant of Uncertain Significance.

Literature cited by the submitters: PubMed 29324814 (cited by Ambry Genetics).

NM_000245.4(MET):c.3907C>A (p.Leu1303Ile)

Gene: MET (MET proto-oncogene, receptor tyrosine kinase; plus strand). Cytogenetic location: 7q31.2.
Variant type: single nucleotide variant.
Coding change: c.3907C>A on transcript NM_000245.4 (MANE Select); coding-DNA position 3907, C replaced by A.
Protein change: p.Leu1303Ile; replaces leucine 1303 with isoleucine.
Molecular consequence: missense variant.
Genome position (GRCh38, 1-based): chr7:116,795,763, C>A. VCF-style: chr7-116795763-C-A. GRCh37 (hg19) VCF-style: chr7-116435817-C-A.
Other names: c.3961C>A, p.Leu1321Ile (NM_001127500.3); c.2617C>A, p.Leu873Ile (NM_001324402.2); short protein forms L1303I, L873I, L1321I.
Identifiers: ClinVar variation 824432 (VCV000824432.7), dbSNP rs1584978029, ClinGen allele CA369117959.